The following is an entry in ClinVar:

NM_015311.3(OBSL1):c.2966G>A (p.Arg989Gln)

Gene: OBSL1 (obscurin like cytoskeletal adaptor 1; minus strand). Cytogenetic location: 2q35.
Variant type: single nucleotide variant.
Coding change: c.2966G>A on transcript NM_015311.3 (MANE Select); coding-DNA position 2966, G replaced by A.
Protein change: p.Arg989Gln; replaces arginine 989 with glutamine.
Molecular consequence: missense variant.
Genome position (GRCh38, 1-based): chr2:219,559,485, C>T on the plus strand (G>A on the coding strand, the complement: OBSL1 is on the minus strand). VCF-style: chr2-219559485-C-T. GRCh37 (hg19) VCF-style: chr2-220424207-C-T.
Other names: c.2966G>A, p.Arg989Gln (NM_001173431.2); c.2966G>A (NM_015311.2); short protein forms R989Q.
Identifiers: ClinVar variation 1984684 (VCV001984684.2), dbSNP rs748556817, ClinGen allele CA2131004.
Genomic context (GRCh38, chr2:219,559,485, plus strand): 5'-AGCACCACACACTCCAAGGTCACGGCGATCAAGGTCACCTCATCGCGAGGGTATATGATC[C>T]GCACTGGGGGTTCTGCAGGGTGGGGACAACCACAGCCTGTCACAAGCTCACCGTCAGCCT-3'
Protein context (NP_056126.1, residues 979-999): FTVTVTEPPV[Arg989Gln]IIYPRDEVTL

ClinVar aggregate classification (germline): Uncertain significance. Review status: criteria provided, multiple submitters, no conflicts (2 of 4 stars). 2 submissions from 2 submitters: Uncertain significance (2). Last evaluated 2025-08-24.

Conditions:
Inborn genetic diseases. Identifiers: MedGen C0950123, MeSH D030342.

Allele frequency attached by ClinVar (database versions not stated): gnomAD exomes 0.00001; ExAC 0.00002; gnomAD 0.00003; TOPMed 0.00003.
gnomAD v4.1: 17 of 1,610,284 alleles (0.0011%); highest among the groups gnomAD compares: Middle Eastern, 0.016%; no homozygotes.

Submissions (2):

Ambry Genetics
Classification: Uncertain significance for Inborn genetic diseases. Last evaluated: 2025-08-24. Review status: criteria provided, single submitter. Criteria: Ambry Variant Classification Scheme 2023. Collection method: clinical testing. Allele origin: germline.

Labcorp Genetics (formerly Invitae), Labcorp
Classification: Uncertain significance. Last evaluated: 2022-03-11. Review status: criteria provided, single submitter. Criteria: Invitae Variant Classification Sherloc (09022015). Collection method: clinical testing. Allele origin: germline.
Comment: This sequence change replaces arginine, which is basic and polar, with glutamine, which is neutral and polar, at codon 989 of the OBSL1 protein (p.Arg989Gln). This variant is present in population databases (rs748556817, gnomAD 0.006%). This variant has not been reported in the literature in individuals affected with OBSL1-related conditions. Algorithms developed to predict the effect of missense changes on protein structure and function are either unavailable or do not agree on the potential impact of this missense change (SIFT: "Deleterious"; PolyPhen-2: "Benign"; Align-GVGD: "Class C0"). In summary, the available evidence is currently insufficient to determine the role of this variant in disease. Therefore, it has been classified as a Variant of Uncertain Significance.